The following is an entry in ClinVar:

ClinVar aggregate classification (germline): Pathogenic/Likely pathogenic. Review status: criteria provided, multiple submitters, no conflicts (2 of 4 stars). 3 submissions from 3 submitters: Pathogenic (2); Likely pathogenic (1). Last evaluated 2025-09-10.

Conditions:
Lethal congenital contractural syndrome Finnish type.
GLE1-related disorder. Also called: GLE1-related disorders; GLE1-related condition.

gnomAD v4.1: 2 of 1,610,818 alleles (0.00012%); highest among the groups gnomAD compares: Non-Finnish European, 0.00017%; no homozygotes.

Submissions (3):

Natera, Inc.
Classification: Likely pathogenic for Lethal congenital contractural syndrome Finnish type. Last evaluated: 2025-09-10. Review status: criteria provided, single submitter. Criteria: Natera Variant Classification Schema (03/2026). Collection method: clinical testing. Allele origin: germline.
Comment: The c.153G>A variant in GLE1 is a nonsense variant predicted to introduce a stop codon at amino acid 51. This variant is expected to result in nonsense mediated decay, truncation, or a dysfunctional protein product. This variant is rare in the general population with a frequency below the threshold expected for the associated phenotype(s). Given the available evidence, this variant is classified as Likely Pathogenic.

Blueprint Genetics
Classification: Pathogenic for GLE1-related disorders. Last evaluated: 2024-09-15. Review status: criteria provided, single submitter. Criteria: ACMG Guidelines, 2015. Collection method: clinical testing. Allele origin: germline. Affected: yes. Observed: 2 variant alleles.

Labcorp Genetics (formerly Invitae), Labcorp
Classification: Pathogenic. Last evaluated: 2020-10-20. Review status: criteria provided, single submitter. Criteria: Invitae Variant Classification Sherloc (09022015). Collection method: clinical testing. Allele origin: germline.
Comment: For these reasons, this variant has been classified as Pathogenic. This variant has not been reported in the literature in individuals with GLE1-related conditions. This variant is not present in population databases (ExAC no frequency). This sequence change creates a premature translational stop signal (p.Trp51*) in the GLE1 gene. It is expected to result in an absent or disrupted protein product. Loss-of-function variants in GLE1 are known to be pathogenic (PMID: 18204449, 24243016, 27684565).

Literature cited by the submitters: PubMed 18204449 (cited by Labcorp Genetics (formerly Invitae), Labcorp); PubMed 24243016 (cited by Labcorp Genetics (formerly Invitae), Labcorp); PubMed 27684565 (cited by Labcorp Genetics (formerly Invitae), Labcorp).

NM_001003722.2(GLE1):c.153G>A (p.Trp51Ter)

Gene: GLE1 (GLE1 RNA export mediator; plus strand). Cytogenetic location: 9q34.11.
Variant type: single nucleotide variant.
Coding change: c.153G>A on transcript NM_001003722.2 (MANE Select); coding-DNA position 153, G replaced by A.
Protein change: p.Trp51Ter; replaces tryptophan 51 with a stop codon.
Molecular consequence: nonsense.
Genome position (GRCh38, 1-based): chr9:128,508,929, G>A. VCF-style: chr9-128508929-G-A. GRCh37 (hg19) VCF-style: chr9-131271208-G-A.
Other names: c.153G>A (NM_001003722.1); c.153G>A, p.Trp51Ter (NM_001499.2); short protein forms W51*.
Identifiers: ClinVar variation 1070597 (VCV001070597.9), dbSNP rs2132405090, ClinGen allele CA375056337.